The following is an entry in ClinVar:

ClinVar aggregate classification (germline): Uncertain significance (1 of 4 stars; one submission).

Submission:

GeneDx
Classification: Uncertain significance. Last evaluated: 2024-10-13. Review status: criteria provided, single submitter. Criteria: GeneDx Variant Classification Process June 2021. Collection method: clinical testing. Allele origin: germline. Affected: yes.
Comment: Not observed at significant frequency in large population cohorts (gnomAD); In silico analysis supports that this missense variant has a deleterious effect on protein structure/function; Has not been previously published as pathogenic or benign to our knowledge

NM_001354604.2(MITF):c.482C>A (p.Pro161Gln)

Gene: MITF (melanocyte inducing transcription factor; plus strand). Cytogenetic location: 3p13.
Variant type: single nucleotide variant.
Coding change: c.482C>A on transcript NM_001354604.2 (MANE Select); coding-DNA position 482, C replaced by A.
Protein change: p.Pro161Gln; replaces proline 161 with glutamine.
Molecular consequence: missense variant. On other transcripts: intron variant (1).
Genome position (GRCh38, 1-based): chr3:69,937,949, C>A. VCF-style: chr3-69937949-C-A. GRCh37 (hg19) VCF-style: chr3-69987100-C-A.
Other names: c.161C>A, p.Pro54Gln (NM_000248.4, NM_001184968.2, NM_198158.3); c.326C>A, p.Pro109Gln (NM_001184967.2, NM_001354608.2); c.479C>A, p.Pro160Gln (NM_001354605.2, NM_001354606.2, NM_006722.3); c.431C>A, p.Pro144Gln (NM_001354607.2); c.482C>A, p.Pro161Gln (NM_198159.3); c.434C>A, p.Pro145Gln (NM_198177.3); c.93+68C>A (NM_198178.3); short protein forms P109Q, P144Q, P145Q, P160Q, P161Q, P54Q.
Identifiers: ClinVar variation 3777263 (VCV003777263.1).